The following is an entry in ClinVar:

NM_000059.4(BRCA2):c.5373A>G (p.Ile1791Met)

Gene: BRCA2 (BRCA2 DNA repair associated; plus strand). Cytogenetic location: 13q13.1.
Variant type: single nucleotide variant.
Coding change: c.5373A>G on transcript NM_000059.4 (MANE Select); coding-DNA position 5373, A replaced by G.
Protein change: p.Ile1791Met; replaces isoleucine 1791 with methionine.
Molecular consequence: missense variant.
Genome position (GRCh38, 1-based): chr13:32,339,728, A>G. VCF-style: chr13-32339728-A-G. GRCh37 (hg19) VCF-style: chr13-32913865-A-G.
Other names: short protein forms I1791M.
Identifiers: ClinVar variation 409459 (VCV000409459.26), dbSNP rs1060502406, ClinGen allele CA16614316.

ClinVar aggregate classification (germline): Conflicting classifications of pathogenicity. Review status: criteria provided, conflicting classifications (1 of 4 stars). 7 submissions from 7 submitters: Uncertain significance (6); Likely benign (1). Last evaluated 2025-09-04.

Conditions:
Hereditary breast ovarian cancer syndrome. Also called: Hereditary breast and ovarian cancer; Hereditary breast and/or ovarian cancer syndrome; BRCA1- and BRCA2-Associated Hereditary Breast and Ovarian Cancer; Hereditary breast and ovarian cancer syndrome; Hereditary breast and ovarian cancer syndrome (HBOC); Breast and ovarian cancer. Identifiers: Orphanet 145, MedGen C0677776, MeSH D061325, MONDO:0003582. Disease mechanism: loss of function.
Hereditary cancer-predisposing syndrome. Also called: Tumor predisposition; Hereditary Cancer Syndrome; Hereditary neoplastic syndrome; Neoplastic Syndromes, Hereditary. Identifiers: Orphanet 140162, MedGen C0027672, MeSH D009386, MONDO:0015356.

Allele frequency attached by ClinVar (database versions not stated): TOPMed below 0.00001; gnomAD 0.00001.
gnomAD v4.1: 1 of 1,613,724 alleles (0.000062%); highest among the groups gnomAD compares: Non-Finnish European, 0.000085%; no homozygotes.

Submissions (7):

Color Diagnostics, LLC DBA Color Health
Classification: Uncertain significance for Hereditary cancer-predisposing syndrome. Last evaluated: 2025-09-04. Review status: criteria provided, single submitter. Criteria: ACMG Guidelines, 2015. Collection method: clinical testing. Allele origin: germline.
Comment: This missense variant replaces isoleucine with methionine at codon 1791 of the BRCA2 protein. Computational prediction suggests that this variant may not impact protein structure and function. To our knowledge, functional studies have not been reported for this variant. This variant has not been reported in individuals affected with BRCA2-related disorders in the literature. This variant has not been identified in the general population by the Genome Aggregation Database (gnomAD). The available evidence is insufficient to determine the role of this variant in disease conclusively. Therefore, this variant is classified as a Variant of Uncertain Significance.

Ambry Genetics
Classification: Uncertain significance for Hereditary cancer-predisposing syndrome. Last evaluated: 2025-08-20. Review status: criteria provided, single submitter. Criteria: Ambry Variant Classification Scheme 2023. Collection method: clinical testing. Allele origin: germline.
Comment: The p.I1791M variant (also known as c.5373A>G), located in coding exon 10 of the BRCA2 gene, results from an A to G substitution at nucleotide position 5373. The isoleucine at codon 1791 is replaced by methionine, an amino acid with highly similar properties. This amino acid position is poorly conserved in available vertebrate species. In addition, this alteration is predicted to be tolerated by in silico analysis. Since supporting evidence is limited at this time, the clinical significance of this alteration remains unclear.

GeneDx
Classification: Uncertain significance. Last evaluated: 2024-06-18. Review status: criteria provided, single submitter. Criteria: GeneDx Variant Classification Process June 2021. Collection method: clinical testing. Allele origin: germline. Affected: yes.
Comment: Not observed at significant frequency in large population cohorts (gnomAD); In silico analysis indicates that this missense variant does not alter protein structure/function; Has not been previously published as pathogenic or benign to our knowledge; Also known as 5601A>G; This variant is associated with the following publications: (PMID: 36922933, 29884841, 32377563)

Quest Diagnostics Nichols Institute San Juan Capistrano
Classification: Uncertain significance. Last evaluated: 2024-02-02. Review status: criteria provided, single submitter. Criteria: Quest Diagnostics criteria. Collection method: clinical testing. Allele origin: unknown.
Comment: The BRCA2 c.5373A>G (p.Ile1791Met) variant has been reported in the published literature in at least one individual with acute myeloid leukemia (PMID: 34482403 (2022)). This variant has also been described to be located in a region of the BRCA2 gene that is tolerant to missense sequence changes (PMID: 31911673 (2020)). The frequency of this variant in the general population, 0.0000066 (1/152196 chromosomes (Genome Aggregation Database)), is uninformative in the assessment of its pathogenicity. Analysis of this variant using bioinformatics tools for the prediction of the effect of amino acid changes on protein structure and function yielded predictions that this variant is benign. Based on the available information, we are unable to determine the clinical significance of this variant.

Labcorp Genetics (formerly Invitae), Labcorp
Classification: Uncertain significance for Hereditary breast ovarian cancer syndrome. Last evaluated: 2024-01-18. Review status: criteria provided, single submitter. Criteria: Invitae Variant Classification Sherloc (09022015). Collection method: clinical testing. Allele origin: germline.
Comment: This sequence change replaces isoleucine, which is neutral and non-polar, with methionine, which is neutral and non-polar, at codon 1791 of the BRCA2 protein (p.Ile1791Met). This variant is not present in population databases (gnomAD no frequency). This variant has not been reported in the literature in individuals affected with BRCA2-related conditions. ClinVar contains an entry for this variant (Variation ID: 409459). Advanced modeling of protein sequence and biophysical properties (such as structural, functional, and spatial information, amino acid conservation, physicochemical variation, residue mobility, and thermodynamic stability) performed at Invitae indicates that this missense variant is not expected to disrupt BRCA2 protein function with a negative predictive value of 95%. In summary, the available evidence is currently insufficient to determine the role of this variant in disease. Therefore, it has been classified as a Variant of Uncertain Significance.

University of Washington Department of Laboratory Medicine, University of Washington
Classification: Likely benign for Hereditary cancer-predisposing syndrome. Last evaluated: 2023-03-23. Review status: criteria provided, single submitter. Criteria: Dines et al. (Genet Med. 2020). Collection method: curation. Allele origin: germline.
Comment: Missense variant in a coldspot region where missense variants are very unlikely to be pathogenic (PMID:31911673).

BRCA2 exon 11 coldspot. Reclassification based on statistical prior probability.

Women's Health and Genetics/Laboratory Corporation of America, LabCorp
Classification: Uncertain significance. Last evaluated: 2022-12-19. Review status: criteria provided, single submitter. Criteria: LabCorp Variant Classification Summary - May 2015. Collection method: clinical testing. Allele origin: germline.

Literature cited by the submitters: PubMed 31911673 (cited by Quest Diagnostics Nichols Institute San Juan Capistrano); PubMed 34482403 (cited by Quest Diagnostics Nichols Institute San Juan Capistrano).